The following is an entry in ClinVar:

NC_000007.13:g.(?_33192293)_(33192483_?)dup

Gene: BBS9 (Bardet-Biedl syndrome 9; plus strand). Cytogenetic location: 7p14.3.
Variant type: Duplication.
Identifiers: ClinVar variation 2427655 (VCV002427655.4).

ClinVar aggregate classification (germline): Likely pathogenic (1 of 4 stars; one submission).

Conditions:
Bardet-Biedl syndrome (BBS). Identifiers: Orphanet 110, MedGen C0752166, MONDO:0015229.

Submission:

Labcorp Genetics (formerly Invitae), Labcorp
Classification: Likely pathogenic for Bardet-Biedl syndrome. Last evaluated: 2023-08-25. Review status: criteria provided, single submitter. Criteria: Invitae Variant Classification Sherloc (09022015). Collection method: clinical testing. Allele origin: germline.
Comment: In summary, the currently available evidence indicates that the variant is pathogenic, but additional data are needed to prove that conclusively. Therefore, this variant has been classified as Likely Pathogenic. This variant has not been reported in the literature in individuals affected with BBS9-related conditions. This variant results in a copy number gain of the genomic region encompassing exon(s) 3 of the BBS9 gene. While the exact position of this variant cannot be determined from the data, sub-genic copy number gains are generally in tandem (PMID: 25640679). This variant is predicted to be out-of-frame, and may result in an absent or disrupted protein product. Loss-of-function variants in BBS9 are known to be pathogenic (PMID: 16380913, 20177705).

Literature cited by the submitters: PubMed 25640679; PubMed 16380913; PubMed 20177705.